The following is an entry in ClinVar:

ClinVar aggregate classification (germline): Likely benign. Review status: criteria provided, single submitter (1 of 4 stars). 2 submissions from 2 submitters: Likely benign (1). 1 of the submissions does not count toward it. Last evaluated 2024-09-11.

Conditions:
TERF2-related disorder. Also called: TERF2-related condition.

Allele frequency attached by ClinVar (database versions not stated): gnomAD exomes 0.00002; ExAC 0.00004; gnomAD 0.00009; TOPMed 0.00013.
gnomAD v4.1: 81 of 1,614,100 alleles (0.005%); highest among the groups gnomAD compares: East Asian, 0.038%; no homozygotes.

Submissions (2):

Blueprint Genetics
Classification: Likely benign. Last evaluated: 2024-09-11. Review status: criteria provided, single submitter. Criteria: ACMG Guidelines, 2015. Collection method: clinical testing. Allele origin: germline.

PreventionGenetics, part of Exact Sciences
Classification: Likely benign for TERF2-related condition. Last evaluated: 2019-05-28. Review status: no assertion criteria provided. Collection method: clinical testing. Allele origin: germline. Not counted in ClinVar's aggregate classification.
Comment: This variant is classified as likely benign based on ACMG/AMP sequence variant interpretation guidelines (Richards et al. 2015 PMID: 25741868, with internal and published modifications).

NM_005652.5(TERF2):c.1149G>A (p.Pro383=)

Gene: TERF2 (telomeric repeat binding factor 2; minus strand). Cytogenetic location: 16q22.1.
Variant type: single nucleotide variant.
Coding change: c.1149G>A on transcript NM_005652.5 (MANE Select); coding-DNA position 1149, G replaced by A.
Protein change: p.Pro383=; no amino-acid change (proline 383 retained).
Molecular consequence: synonymous variant.
Genome position (GRCh38, 1-based): chr16:69,366,998, C>T on the plus strand (G>A on the coding strand, the complement: TERF2 is on the minus strand). VCF-style: chr16-69366998-C-T. GRCh37 (hg19) VCF-style: chr16-69400901-C-T.
Identifiers: ClinVar variation 3043723 (VCV003043723.3), dbSNP rs371717517, ClinGen allele CA8134757.